The following is an entry in ClinVar:

NM_005566.4(LDHA):c.711-200T>G

Gene: LDHA (lactate dehydrogenase A; plus strand). Cytogenetic location: 11p15.1.
Variant type: single nucleotide variant.
Coding change: c.711-200T>G on transcript NM_005566.4 (MANE Select); 200 bases into the intron before coding-DNA position 711, T replaced by G.
Molecular consequence: intron variant.
Genome position (GRCh38, 1-based): chr11:18,405,249, T>G. VCF-style: chr11-18405249-T-G. GRCh37 (hg19) VCF-style: chr11-18426796-T-G.
Other names: c.710+1438T>G (NM_001165416.2); c.537-200T>G (NM_001135239.2); c.687+1461T>G (NM_001165415.2); c.798-200T>G (NM_001165414.2).
Identifiers: ClinVar variation 683028 (VCV000683028.2), dbSNP rs6486425, ClinGen allele CA15682422.

ClinVar aggregate classification (germline): Benign. Review status: criteria provided, multiple submitters, no conflicts (2 of 4 stars). 2 submissions from 2 submitters: Benign (2). Last evaluated 2018-06-14.

Allele frequency attached by ClinVar (database versions not stated): 1000 Genomes Project 30x 0.62742; TOPMed 0.63412; 1000 Genomes Project 0.63538; gnomAD 0.64491 and 0.65029.
gnomAD v4.1: 98,994 of 152,076 alleles (65%); highest among the groups gnomAD compares: South Asian, 76%; 33,246 homozygotes.

Submissions (2):

GeneDx
Classification: Benign. Last evaluated: 2018-06-14. Review status: criteria provided, single submitter. Criteria: GeneDx Variant Classification (06012015). Collection method: clinical testing. Allele origin: germline. Affected: yes.
Comment: This variant is considered likely benign or benign based on one or more of the following criteria: it is a conservative change, it occurs at a poorly conserved position in the protein, it is predicted to be benign by multiple in silico algorithms, and/or has population frequency not consistent with disease.

Breakthrough Genomics
Classification: Benign. Review status: criteria provided, single submitter. Criteria: ACMG Guidelines, 2015. Collection method: not provided. Allele origin: germline. Inheritance: Autosomal recessive inheritance. Affected: yes.